The following is an entry in ClinVar:

ClinVar aggregate classification (germline): Pathogenic/Likely pathogenic. Review status: criteria provided, multiple submitters, no conflicts (2 of 4 stars). 2 submissions from 2 submitters: Pathogenic (1); Likely pathogenic (1). Last evaluated 2024-08-04.

Conditions:
Cerebral visual impairment and intellectual disability.

Submissions (2):

GeneDx
Classification: Pathogenic. Last evaluated: 2024-08-04. Review status: criteria provided, single submitter. Criteria: GeneDx Variant Classification Process June 2021. Collection method: clinical testing. Allele origin: germline. Affected: yes.
Comment: Not observed at significant frequency in large population cohorts (gnomAD); In silico analysis supports that this missense variant has a deleterious effect on protein structure/function; This variant is associated with the following publications: (PMID: 26350515, 35675510)

Lupski Lab, Baylor-Hopkins CMG, Baylor College of Medicine
Classification: Likely pathogenic for Cerebral visual impairment and intellectual disability. Last evaluated: 2015-09-09. Review status: criteria provided, single submitter. Criteria: Bosch et al. (EJHG 2015). Collection method: research. Allele origin: de novo. Affected: yes. Observed: 1 variant allele, 1 heterozygote.
Comment: This study shows that diverse genetic causes underlie CVI.

NM_001690.4(ATP6V1A):c.940A>G (p.Asn314Asp)

Gene: ATP6V1A (ATPase H+ transporting V1 subunit A; plus strand). Cytogenetic location: 3q13.31.
Variant type: single nucleotide variant.
Coding change: c.940A>G on transcript NM_001690.4 (MANE Select); coding-DNA position 940, A replaced by G.
Protein change: p.Asn314Asp; replaces asparagine 314 with aspartic acid.
Molecular consequence: missense variant.
Genome position (GRCh38, 1-based): chr3:113,789,792, A>G. VCF-style: chr3-113789792-A-G. GRCh37 (hg19) VCF-style: chr3-113508639-A-G.
Other names: short protein forms N314D.
Identifiers: ClinVar variation 224820 (VCV000224820.3), dbSNP rs869312870, ClinGen allele CA357898.
Genomic context (GRCh38, chr3:113,789,792, plus strand): 5'-CTCACAATGGAGGTTGATGGTAAGGTAGAGTCAATTATGAAGAGGACAGCTTTGGTAGCC[A>G]ATACCTCCAATATGCCTGTTGCTGCTAGAGAAGCCTCTATTTATACTGGTGAGTATATAA-3'
Protein context (NP_001681.2, residues 304-324): SIMKRTALVA[Asn314Asp]TSNMPVAARE